The following is an entry in ClinVar:

ClinVar aggregate classification (germline): Uncertain significance. Review status: criteria provided, multiple submitters, no conflicts (2 of 4 stars). 5 submissions from 5 submitters: Uncertain significance (5). Last evaluated 2026-02-03.

Conditions:
Hypertrophic cardiomyopathy 14. Identifiers: MedGen C2750467, MONDO:0013197, OMIM 613251.
MYH6-related disorder. Also called: MYH6-Related Disorders; MYH6-related condition.
Cardiovascular phenotype. Identifiers: MedGen CN230736.
Sick sinus syndrome 3, susceptibility to (SSS3). Identifiers: Orphanet 166282, MedGen C3279791, MONDO:0013568, OMIM 614090.
Dilated cardiomyopathy 1EE (CMD1EE). Identifiers: Orphanet 154, MedGen C2750466, MONDO:0013198, OMIM 613252.
Hypertrophic cardiomyopathy 1 (CMH1). Also called: Familial hypertrophic cardiomyopathy 1; MYH7-Related Familial Hypertrophic Cardiomyopathy. Identifiers: MedGen C3495498, MONDO:0008647, OMIM 192600.
Atrial septal defect 3 (ASD3). Identifiers: Orphanet 1478, MedGen C3279790, MONDO:0013567, OMIM 614089.

Allele frequency attached by ClinVar (database versions not stated): ExAC 0.00001; gnomAD exomes 0.00001; gnomAD 0.00002; TOPMed 0.00003.
gnomAD v4.1: 7 of 1,614,108 alleles (0.00043%); highest among the groups gnomAD compares: African/African-American, 0.0027%; no homozygotes.

Submissions (5):

PreventionGenetics, part of Exact Sciences
Classification: Uncertain significance for MYH6-related condition. Last evaluated: 2026-02-03. Review status: criteria provided, single submitter. Criteria: ACMG Guidelines, 2015. Collection method: clinical testing. Allele origin: germline.
Comment: The MYH6 c.2605G>A variant is predicted to result in the amino acid substitution p.Glu869Lys. To our knowledge, this variant has not been reported in the literature. This variant is reported in 0.0033% of alleles in individuals of South Asian descent in gnomAD. At this time, the clinical significance of this variant is uncertain due to the absence of conclusive functional and genetic evidence.

Labcorp Genetics (formerly Invitae), Labcorp
Classification: Uncertain significance for Hypertrophic cardiomyopathy 14. Last evaluated: 2025-12-24. Review status: criteria provided, single submitter. Criteria: Invitae Variant Classification Sherloc (09022015). Collection method: clinical testing. Allele origin: germline.
Comment: This sequence change replaces glutamic acid, which is acidic and polar, with lysine, which is basic and polar, at codon 869 of the MYH6 protein (p.Glu869Lys). This variant is present in population databases (rs774144472, gnomAD 0.003%). This variant has not been reported in the literature in individuals affected with MYH6-related conditions. ClinVar contains an entry for this variant (Variation ID: 967486). Invitae Evidence Modeling of protein sequence and biophysical properties (such as structural, functional, and spatial information, amino acid conservation, physicochemical variation, residue mobility, and thermodynamic stability) indicates that this missense variant is not expected to disrupt MYH6 protein function with a negative predictive value of 80%. In summary, the available evidence is currently insufficient to determine the role of this variant in disease. Therefore, it has been classified as a Variant of Uncertain Significance.

GeneDx
Classification: Uncertain significance. Last evaluated: 2024-08-29. Review status: criteria provided, single submitter. Criteria: GeneDx Variant Classification Process June 2021. Collection method: clinical testing. Allele origin: germline. Affected: yes.
Comment: Not observed at significant frequency in large population cohorts (gnomAD); In silico analysis supports that this missense variant has a deleterious effect on protein structure/function; Has not been previously published as pathogenic or benign to our knowledge

Ambry Genetics
Classification: Uncertain significance for Cardiovascular phenotype. Last evaluated: 2023-01-25. Review status: criteria provided, single submitter. Criteria: Ambry Variant Classification Scheme 2023. Collection method: clinical testing. Allele origin: germline.
Comment: The p.E869K variant (also known as c.2605G>A), located in coding exon 19 of the MYH6 gene, results from a G to A substitution at nucleotide position 2605. The glutamic acid at codon 869 is replaced by lysine, an amino acid with similar properties. This amino acid position is well conserved in available vertebrate species. In addition, the in silico prediction for this alteration is inconclusive. Since supporting evidence is limited at this time, the clinical significance of this alteration remains unclear.

Fulgent Genetics
Classification: Uncertain significance for Hypertrophic cardiomyopathy 1; Hypertrophic cardiomyopathy 14; Dilated cardiomyopathy 1EE; Atrial septal defect 3; Sick sinus syndrome 3, susceptibility to. Last evaluated: 2021-08-24. Review status: criteria provided, single submitter. Criteria: ACMG Guidelines, 2015. Collection method: clinical testing. Allele origin: unknown.

NM_002471.4(MYH6):c.2605G>A (p.Glu869Lys)

Gene: MYH6 (myosin heavy chain 6; minus strand). Cytogenetic location: 14q11.2.
Variant type: single nucleotide variant.
Coding change: c.2605G>A on transcript NM_002471.4 (MANE Select); coding-DNA position 2605, G replaced by A.
Protein change: p.Glu869Lys; replaces glutamic acid 869 with lysine.
Molecular consequence: missense variant.
Genome position (GRCh38, 1-based): chr14:23,394,148, C>T on the plus strand (G>A on the coding strand, the complement: MYH6 is on the minus strand). VCF-style: chr14-23394148-C-T. GRCh37 (hg19) VCF-style: chr14-23863357-C-T.
Other names: short protein forms E869K.
Identifiers: ClinVar variation 967486 (VCV000967486.15), dbSNP rs774144472, ClinGen allele CA7115425.